The following is an entry in ClinVar:

NM_198428.3(BBS9):c.863G>C (p.Ser288Thr)

Gene: BBS9 (Bardet-Biedl syndrome 9; plus strand). Cytogenetic location: 7p14.3.
Variant type: single nucleotide variant.
Coding change: c.863G>C on transcript NM_198428.3 (MANE Select); coding-DNA position 863, G replaced by C.
Protein change: p.Ser288Thr; replaces serine 288 with threonine.
Molecular consequence: missense variant. On other transcripts: non-coding transcript variant (3).
Genome position (GRCh38, 1-based): chr7:33,273,172, G>C. VCF-style: chr7-33273172-G-C. GRCh37 (hg19) VCF-style: chr7-33312784-G-C.
Other names: c.863G>C, p.Ser288Thr (NM_001033604.2, NM_001033605.2, NM_001348036.1 and 5 more transcripts); c.497G>C, p.Ser166Thr (NM_001348037.3, NM_001348044.3, NM_001348045.3 and 1 more transcripts); c.590G>C, p.Ser197Thr (NM_001348038.3, NM_001348039.3); c.728G>C, p.Ser243Thr (NM_001348042.3); short protein forms S166T, S197T, S243T, S288T.
Identifiers: ClinVar variation 1349329 (VCV001349329.6), dbSNP rs2128345247, ClinGen allele CA367254637.

ClinVar aggregate classification (germline): Uncertain significance (1 of 4 stars; one submission).

Conditions:
Bardet-Biedl syndrome (BBS). Identifiers: Orphanet 110, MedGen C0752166, MONDO:0015229.

Allele frequency attached by ClinVar (database versions not stated): gnomAD exomes below 0.00001.
gnomAD v4.1: 1 of 1,613,612 alleles (0.000062%); highest among the groups gnomAD compares: Non-Finnish European, 0.000085%; no homozygotes.

Submission:

Labcorp Genetics (formerly Invitae), Labcorp
Classification: Uncertain significance for Bardet-Biedl syndrome. Last evaluated: 2022-08-22. Review status: criteria provided, single submitter. Criteria: Invitae Variant Classification Sherloc (09022015). Collection method: clinical testing. Allele origin: germline.
Comment: This sequence change replaces serine, which is neutral and polar, with threonine, which is neutral and polar, at codon 288 of the BBS9 protein (p.Ser288Thr). This variant is not present in population databases (gnomAD no frequency). In summary, the available evidence is currently insufficient to determine the role of this variant in disease. Therefore, it has been classified as a Variant of Uncertain Significance. Algorithms developed to predict the effect of missense changes on protein structure and function (SIFT, PolyPhen-2, Align-GVGD) all suggest that this variant is likely to be disruptive. ClinVar contains an entry for this variant (Variation ID: 1349329). This variant has not been reported in the literature in individuals affected with BBS9-related conditions.